The following is an entry in ClinVar:

NM_001330723.2(SNX27):c.1124T>G (p.Leu375Arg)

Gene: SNX27 (sorting nexin 27; plus strand). Cytogenetic location: 1q21.3.
Variant type: single nucleotide variant.
Coding change: c.1124T>G on transcript NM_001330723.2 (MANE Select); coding-DNA position 1124, T replaced by G.
Protein change: p.Leu375Arg; replaces leucine 375 with arginine.
Molecular consequence: missense variant.
Genome position (GRCh38, 1-based): chr1:151,668,610, T>G. VCF-style: chr1-151668610-T-G. GRCh37 (hg19) VCF-style: chr1-151641086-T-G.
Other names: c.1124T>G, p.Leu375Arg (NM_030918.6); short protein forms L375R.
Identifiers: ClinVar variation 955042 (VCV000955042.7), dbSNP rs749329909, ClinGen allele CA1093583.

ClinVar aggregate classification (germline): Uncertain significance. Review status: criteria provided, multiple submitters, no conflicts (2 of 4 stars). 2 submissions from 2 submitters: Uncertain significance (2). Last evaluated 2023-06-22.

Conditions:
Severe myoclonic epilepsy in infancy (DRVT). Also called: SEVERE MYOCLONIC EPILEPSY OF INFANCY; DEVELOPMENTAL AND EPILEPTIC ENCEPHALOPATHY 6A; Dravet syndrome; Epileptic encephalopathy, early infantile, 6 (Dravet syndrome); Severe Myoclonic Epilepsy in Infancy (SMEI). Identifiers: Orphanet 33069, MedGen C0751122, MONDO:0100135, OMIM 607208.
Inborn genetic diseases. Identifiers: MedGen C0950123, MeSH D030342.

Allele frequency attached by ClinVar (database versions not stated): ExAC 0.00002; gnomAD exomes 0.00004 and 0.00017; gnomAD 0.00007; TOPMed 0.00008.
gnomAD v4.1: 258 of 1,612,970 alleles (0.016%); highest among the groups gnomAD compares: Non-Finnish European, 0.021%; no homozygotes.

Submissions (2):

Ambry Genetics
Classification: Uncertain significance for Inborn genetic diseases. Last evaluated: 2023-06-22. Review status: criteria provided, single submitter. Criteria: Ambry Variant Classification Scheme 2023. Collection method: clinical testing. Allele origin: germline.

Labcorp Genetics (formerly Invitae), Labcorp
Classification: Uncertain significance for Severe myoclonic epilepsy in infancy. Last evaluated: 2022-10-25. Review status: criteria provided, single submitter. Criteria: Invitae Variant Classification Sherloc (09022015). Collection method: clinical testing. Allele origin: germline.
Comment: This sequence change replaces leucine, which is neutral and non-polar, with arginine, which is basic and polar, at codon 375 of the SNX27 protein (p.Leu375Arg). This variant is present in population databases (rs749329909, gnomAD 0.02%). This variant has not been reported in the literature in individuals affected with SNX27-related conditions. ClinVar contains an entry for this variant (Variation ID: 955042). Algorithms developed to predict the effect of missense changes on protein structure and function (SIFT, PolyPhen-2, Align-GVGD) all suggest that this variant is likely to be disruptive. In summary, the available evidence is currently insufficient to determine the role of this variant in disease. Therefore, it has been classified as a Variant of Uncertain Significance.